The following is an entry in ClinVar:

NM_001999.4(FBN2):c.2148_2151dup (p.Pro718fs)

Gene: FBN2 (fibrillin 2; minus strand). Cytogenetic location: 5q23.3.
Variant type: Duplication.
Coding change: c.2148_2151dup on transcript NM_001999.4 (MANE Select); coding-DNA positions 2148 to 2151, 4 bases duplicated (GCGT; older notation c.2148_2151dupGCGT).
Protein change: p.Pro718fs; shifts the reading frame from proline 718.
Molecular consequence: frameshift variant.
Genome position (GRCh38, 1-based): chr5:128,369,279-128,369,282, ACGC duplicated on the plus strand (GCGT on the coding strand, the reverse complement: FBN2 is on the minus strand); duplicating any 4 consecutive bases within chr5:128,369,279-128,369,284 gives the same sequence; the c. name uses the placement nearest the transcript's 3' end. VCF-style (leftmost placement, unchanged base first): chr5-128369278-G-GACGC. GRCh37 (hg19) VCF-style: chr5-127704971-G-GACGC.
Other names: short protein forms P718fs.
Identifiers: ClinVar variation 1199241 (VCV001199241.5), dbSNP rs2126947501, ClinGen allele CA2499217547.

ClinVar aggregate classification (germline): Uncertain significance. Review status: criteria provided, multiple submitters, no conflicts (2 of 4 stars). 2 submissions from 2 submitters: Uncertain significance (2). Last evaluated 2025-06-20.

Conditions:
Congenital contractural arachnodactyly (CCA). Also called: BEALS SYNDROME; Beals-Hecht syndrome; Arthrogryposis, distal, type 9. Identifiers: Orphanet 115, MedGen C0220668, MONDO:0007363, OMIM 121050.

Submissions (2):

Labcorp Genetics (formerly Invitae), Labcorp
Classification: Uncertain significance for Congenital contractural arachnodactyly. Last evaluated: 2025-06-20. Review status: criteria provided, single submitter. Criteria: Invitae Variant Classification Sherloc (09022015). Collection method: clinical testing. Allele origin: germline.
Comment: This sequence change creates a premature translational stop signal (p.Pro718Alafs*35) in the FBN2 gene. It is expected to result in an absent or disrupted protein product. However, the current clinical and genetic evidence is not sufficient to establish whether loss-of-function variants in FBN2 cause disease. This variant is not present in population databases (gnomAD no frequency). This variant has not been reported in the literature in individuals affected with FBN2-related conditions. ClinVar contains an entry for this variant (Variation ID: 1199241). In summary, the available evidence is currently insufficient to determine the role of this variant in disease. Therefore, it has been classified as a Variant of Uncertain Significance.

Illumina Laboratory Services, Illumina
Classification: Uncertain significance for Congenital contractural arachnodactyly. Last evaluated: 2020-12-08. Review status: criteria provided, single submitter. Criteria: ICSLVariantClassificationCriteria RUGD 01 April 2020. Collection method: clinical testing. Allele origin: unknown.
Comment: The FBN2 c.2148_2151dupGCGT (p.Pro718AlafsTer35) variant results in a frameshift and is predicted to result in premature termination or absence of the protein. A literature search was performed for the gene, cDNA change, and amino acid change. No publications were found based on this search. This variant is not found in the Genome Aggregation Database in a region of good sequence coverage, so the variant is presumed to be rare. Loss of function is not an established mechanism of disease. Based on the limited evidence and application of the ACMG criteria, the p.Pro718AlafsTer35 variant is classified as a variant of uncertain significance for congenital contractural arachnodactyly.